The following is an entry in ClinVar:

NM_005732.4(RAD50):c.1568A>G (p.Gln523Arg)

Gene: RAD50 (RAD50 double strand break repair protein; plus strand). Cytogenetic location: 5q31.1.
Variant type: single nucleotide variant.
Coding change: c.1568A>G on transcript NM_005732.4 (MANE Select); coding-DNA position 1568, A replaced by G.
Protein change: p.Gln523Arg; replaces glutamine 523 with arginine.
Molecular consequence: missense variant.
Genome position (GRCh38, 1-based): chr5:132,591,339, A>G. VCF-style: chr5-132591339-A-G. GRCh37 (hg19) VCF-style: chr5-131927031-A-G.
Other names: short protein forms Q523R.
Identifiers: ClinVar variation 480404 (VCV000480404.12), dbSNP rs1554098417, ClinGen allele CA360945926.

ClinVar aggregate classification (germline): Uncertain significance. Review status: criteria provided, multiple submitters, no conflicts (2 of 4 stars). 2 submissions from 2 submitters: Uncertain significance (2). Last evaluated 2023-09-10.

Conditions:
Hereditary cancer-predisposing syndrome. Also called: Hereditary Cancer Syndrome; Neoplastic Syndromes, Hereditary; Tumor predisposition; Hereditary neoplastic syndrome. Identifiers: Orphanet 140162, MedGen C0027672, MeSH D009386, MONDO:0015356.

Submissions (2):

Labcorp Genetics (formerly Invitae), Labcorp
Classification: Uncertain significance for Hereditary cancer-predisposing syndrome. Last evaluated: 2023-09-10. Review status: criteria provided, single submitter. Criteria: Invitae Variant Classification Sherloc (09022015). Collection method: clinical testing. Allele origin: germline.
Comment: In summary, the available evidence is currently insufficient to determine the role of this variant in disease. Therefore, it has been classified as a Variant of Uncertain Significance. Advanced modeling of protein sequence and biophysical properties (such as structural, functional, and spatial information, amino acid conservation, physicochemical variation, residue mobility, and thermodynamic stability) performed at Invitae indicates that this missense variant is not expected to disrupt RAD50 protein function. ClinVar contains an entry for this variant (Variation ID: 480404). This variant has not been reported in the literature in individuals affected with RAD50-related conditions. This variant is not present in population databases (gnomAD no frequency). This sequence change replaces glutamine, which is neutral and polar, with arginine, which is basic and polar, at codon 523 of the RAD50 protein (p.Gln523Arg).

Ambry Genetics
Classification: Uncertain significance for Hereditary cancer-predisposing syndrome. Last evaluated: 2018-05-07. Review status: criteria provided, single submitter. Criteria: Ambry Variant Classification Scheme 2023. Collection method: clinical testing. Allele origin: germline.
Comment: The p.Q523R variant (also known as c.1568A>G), located in coding exon 10 of the RAD50 gene, results from an A to G substitution at nucleotide position 1568. The glutamine at codon 523 is replaced by arginine, an amino acid with highly similar properties. This amino acid position is well conserved in available vertebrate species. In addition, this alteration is predicted to be tolerated by in silico analysis. Since supporting evidence is limited at this time, the clinical significance of this alteration remains unclear.